The following is an entry in ClinVar:

ClinVar aggregate classification (germline): Uncertain significance (1 of 4 stars; one submission).

Allele frequency attached by ClinVar (database versions not stated): gnomAD 0.00003; gnomAD exomes 0.00003; TOPMed 0.00003; ExAC 0.00012; 1000 Genomes Project 30x 0.00016; 1000 Genomes Project 0.00020.
gnomAD v4.1: 53 of 1,611,820 alleles (0.0033%); highest among the groups gnomAD compares: Admixed American, 0.025%; no homozygotes.

Submission:

Women's Health and Genetics/Laboratory Corporation of America, LabCorp
Classification: Uncertain significance. Last evaluated: 2023-10-16. Review status: criteria provided, single submitter. Criteria: LabCorp Variant Classification Summary - May 2015. Collection method: clinical testing. Allele origin: germline.
Comment: Variant summary: INTS8 c.736G>A (p.Glu246Lys) results in a conservative amino acid change in the encoded protein sequence. Three of five in-silico tools predict a benign effect of the variant on protein function. The variant allele was found at a frequency of 0.0001 in 248394 control chromosomes. To our knowledge, no occurrence of c.736G>A in individuals affected with Neurodevelopmental Disorder With Cerebellar Hypoplasia And Spasticity and no experimental evidence demonstrating its impact on protein function have been reported. No submitters have cited clinical-significance assessments for this variant to ClinVar after 2014. Based on the evidence outlined above, the variant was classified as uncertain significance.

NM_017864.4(INTS8):c.736G>A (p.Glu246Lys)

Gene: INTS8 (integrator complex subunit 8; plus strand). Cytogenetic location: 8q22.1.
Variant type: single nucleotide variant.
Coding change: c.736G>A on transcript NM_017864.4 (MANE Select); coding-DNA position 736, G replaced by A.
Protein change: p.Glu246Lys; replaces glutamic acid 246 with lysine.
Molecular consequence: missense variant. On other transcripts: non-coding transcript variant (2).
Genome position (GRCh38, 1-based): chr8:94,832,157, G>A. VCF-style: chr8-94832157-G-A. GRCh37 (hg19) VCF-style: chr8-95844385-G-A.
Other names: short protein forms E246K.
Identifiers: ClinVar variation 2637760 (VCV002637760.1), dbSNP rs537317808, ClinGen allele CA4813386.
Genomic context (GRCh38, chr8:94,832,157, plus strand): 5'-GAACCAGGCATGGTAAATGGAGAAACTGAGAGTTCTACTGCTGGATTGAAAGTCAAAACC[G>A]AAGAAATGCAGTGCCAGGTATTCATTTGATACTTAATTTACGTAGGGCAATTTTTTGGAA-3'
Protein context (NP_060334.2, residues 236-256): SSTAGLKVKT[Glu246Lys]EMQCQVCYDL